The following is an entry in ClinVar:

NM_006231.4(POLE):c.98A>G (p.Lys33Arg)

Gene: POLE (DNA polymerase epsilon, catalytic subunit; minus strand). Cytogenetic location: 12q24.33.
Variant type: single nucleotide variant.
Coding change: c.98A>G on transcript NM_006231.4 (MANE Select); coding-DNA position 98, A replaced by G.
Protein change: p.Lys33Arg; replaces lysine 33 with arginine.
Molecular consequence: missense variant.
Genome position (GRCh38, 1-based): chr12:132,681,244, T>C on the plus strand (A>G on the coding strand, the complement: POLE is on the minus strand). VCF-style: chr12-132681244-T-C. GRCh37 (hg19) VCF-style: chr12-133257830-T-C.
Other names: c.98A>G (NM_006231.2); short protein forms K33R.
Identifiers: ClinVar variation 1466707 (VCV001466707.9), dbSNP rs2043161391, ClinGen allele CA387370486.

ClinVar aggregate classification (germline): Uncertain significance. Review status: criteria provided, multiple submitters, no conflicts (2 of 4 stars). 2 submissions from 2 submitters: Uncertain significance (2). Last evaluated 2023-11-14.

Conditions:
Hereditary cancer-predisposing syndrome. Also called: Tumor predisposition; Hereditary Cancer Syndrome; Hereditary neoplastic syndrome; Neoplastic Syndromes, Hereditary. Identifiers: Orphanet 140162, MedGen C0027672, MeSH D009386, MONDO:0015356.

Allele frequency attached by ClinVar (database versions not stated): gnomAD 0.00001.
gnomAD v4.1: 1 of 1,614,086 alleles (0.000062%); highest among the groups gnomAD compares: South Asian, 0.0011%; no homozygotes.

Submissions (2):

Ambry Genetics
Classification: Uncertain significance for Hereditary cancer-predisposing syndrome. Last evaluated: 2023-11-14. Review status: criteria provided, single submitter. Criteria: Ambry Variant Classification Scheme 2023. Collection method: clinical testing. Allele origin: germline.
Comment: The p.K33R variant (also known as c.98A>G), located in coding exon 2 of the POLE gene, results from an A to G substitution at nucleotide position 98. The lysine at codon 33 is replaced by arginine, an amino acid with highly similar properties. This amino acid position is conserved. In addition, this alteration is predicted to be tolerated by in silico analysis. Since supporting evidence is limited at this time, the clinical significance of this alteration remains unclear.

Labcorp Genetics (formerly Invitae), Labcorp
Classification: Uncertain significance. Last evaluated: 2021-08-26. Review status: criteria provided, single submitter. Criteria: Invitae Variant Classification Sherloc (09022015). Collection method: clinical testing. Allele origin: germline.
Comment: This sequence change replaces lysine with arginine at codon 33 of the POLE protein (p.Lys33Arg). The lysine residue is moderately conserved and there is a small physicochemical difference between lysine and arginine. This variant is not present in population databases (ExAC no frequency). This variant has not been reported in the literature in individuals with POLE-related conditions. Algorithms developed to predict the effect of missense changes on protein structure and function output the following: SIFT: "Tolerated"; PolyPhen-2: "Benign"; Align-GVGD: "Class C0". The arginine amino acid residue is found in multiple mammalian species, suggesting that this missense change does not adversely affect protein function. These predictions have not been confirmed by published functional studies and their clinical significance is uncertain. Algorithms developed to predict the effect of sequence changes on RNA splicing suggest that this variant may create or strengthen a splice site, but this prediction has not been confirmed by published transcriptional studies. In summary, the available evidence is currently insufficient to determine the role of this variant in disease. Therefore, it has been classified as a Variant of Uncertain Significance.